The following is an entry in ClinVar:

NM_005560.6(LAMA5):c.1299C>T (p.Ser433=)

Gene: LAMA5 (laminin subunit alpha 5; minus strand). Cytogenetic location: 20q13.33.
Variant type: single nucleotide variant.
Coding change: c.1299C>T on transcript NM_005560.6 (MANE Select); coding-DNA position 1299, C replaced by T.
Protein change: p.Ser433=; no amino-acid change (serine 433 retained).
Molecular consequence: synonymous variant.
Genome position (GRCh38, 1-based): chr20:62,346,199, G>A on the plus strand (C>T on the coding strand, the complement: LAMA5 is on the minus strand). VCF-style: chr20-62346199-G-A. GRCh37 (hg19) VCF-style: chr20-60921255-G-A.
Other names: p.Ser433=.
Identifiers: ClinVar variation 711247 (VCV000711247.12), dbSNP rs76592931, ClinGen allele CA9944000.

ClinVar aggregate classification (germline): Benign. Review status: criteria provided, multiple submitters, no conflicts (2 of 4 stars). 3 submissions from 3 submitters: Benign (3). Last evaluated 2026-01-13.

Allele frequency attached by ClinVar (database versions not stated): gnomAD exomes 0.00103 and 0.00279; ExAC 0.00425; gnomAD 0.01133 and 0.01229; 1000 Genomes Project 0.01158; TOPMed 0.01169; 1000 Genomes Project 30x 0.01187; ESP Exome Variant Server 0.01356.
gnomAD v4.1: 3,246 of 1,611,930 alleles (0.2%); highest among the groups gnomAD compares: African/African-American, 3.9%; 61 homozygotes.

Submissions (3):

Labcorp Genetics (formerly Invitae), Labcorp
Classification: Benign. Last evaluated: 2026-01-13. Review status: criteria provided, single submitter. Criteria: Invitae Variant Classification Sherloc (09022015). Collection method: clinical testing. Allele origin: germline.

Mayo Clinic Laboratories, Mayo Clinic
Classification: Benign. Last evaluated: 2023-10-05. Review status: criteria provided, single submitter. Criteria: ACMG Guidelines, 2015. Collection method: clinical testing. Allele origin: germline. Observed: 4 variant alleles.
Comment: BS1, BS2, BP4, BP7

Breakthrough Genomics
Classification: Benign. Review status: criteria provided, single submitter. Criteria: ACMG Guidelines, 2015. Collection method: not provided. Allele origin: germline. Inheritance: Autosomal recessive inheritance. Affected: yes.